The following is an entry in ClinVar:

ClinVar aggregate classification (germline): Uncertain significance. Review status: criteria provided, multiple submitters, no conflicts (2 of 4 stars). 4 submissions from 4 submitters: Uncertain significance (4). Last evaluated 2025-12-10.

Conditions:
RP1L1-related disorder. Also called: RP1L1-related condition.
Inborn genetic diseases. Identifiers: MedGen C0950123, MeSH D030342.
Retinal dystrophy. Also called: Inherited retinal dystrophy. Identifiers: Orphanet 71862, MedGen C0854723, MeSH D058499, MONDO:0019118, HP:0000556.

Allele frequency attached by ClinVar (database versions not stated): ESP Exome Variant Server 0.00008.
gnomAD v4.1: 55 of 1,613,534 alleles (0.0034%); highest among the groups gnomAD compares: African/African-American, 0.059%; no homozygotes.

Submissions (4):

PreventionGenetics, part of Exact Sciences
Classification: Uncertain significance for RP1L1-related condition. Last evaluated: 2025-12-10. Review status: criteria provided, single submitter. Criteria: ACMG Guidelines, 2015. Collection method: clinical testing. Allele origin: germline.
Comment: The RP1L1 c.2293G>T variant is predicted to result in the amino acid substitution p.Asp765Tyr. To our knowledge, this variant has not been reported in the literature. This variant is present in 0.058% of alleles in individuals of African descent in gnomAD, which may be too common to be an unreported cause of disease. Although we suspect that this variant may be benign, at this time, the clinical significance of this variant is uncertain due to the absence of conclusive functional and genetic evidence.

Ambry Genetics
Classification: Uncertain significance for Inborn genetic diseases. Last evaluated: 2024-08-20. Review status: criteria provided, single submitter. Criteria: Ambry Variant Classification Scheme 2023. Collection method: clinical testing. Allele origin: germline.

Dept Of Ophthalmology, Nagoya University
Classification: Uncertain significance for Retinal dystrophy. Last evaluated: 2023-10-01. Review status: criteria provided, single submitter. Criteria: Submitter's publication. Collection method: research. Allele origin: germline. Affected: yes.

Blueprint Genetics
Classification: Uncertain significance. Last evaluated: 2022-06-16. Review status: criteria provided, single submitter. Criteria: ACMG Guidelines, 2015. Collection method: clinical testing. Allele origin: germline.

NM_178857.6(RP1L1):c.2293G>T (p.Asp765Tyr)

Gene: RP1L1 (RP1 like 1). Cytogenetic location: 8p23.1.
Variant type: single nucleotide variant.
Coding change: c.2293G>T on transcript NM_178857.6 (MANE Select); coding-DNA position 2293, G replaced by T.
Protein change: p.Asp765Tyr; replaces aspartic acid 765 with tyrosine.
Molecular consequence: missense variant.
Genome position (GRCh38, 1-based): chr8:10,611,805, C>A on the plus strand (G>T on the coding strand, the complement: RP1L1 is on the minus strand). VCF-style: chr8-10611805-C-A. GRCh37 (hg19) VCF-style: chr8-10469315-C-A.
Other names: short protein forms D765Y.
Identifiers: ClinVar variation 2331535 (VCV002331535.6), dbSNP rs369772058, ClinGen allele CA4624885.
Genomic context (GRCh38, chr8:10,611,805, plus strand): 5'-AGCAGGAGTCGGATGTGTGGGGAGGTATGGGGGCCGGCGAGCATGTCCTGGACCCCGCGT[C>A]CCCTGCCCACCCGGCAGAGGGAGCGTTGTGCGGGGAGACTCCAGAAACAAAATCCGAGTG-3'
Protein context (NP_849188.4, residues 755-775): HNAPSAGWAG[Asp765Tyr]AGSRTCSPAP